The following is an entry in ClinVar:

ClinVar aggregate classification (germline): Uncertain significance (0 of 4 stars; one submission).

Conditions:
TBX3-related disorder. Also called: TBX3-related condition.

Submission:

PreventionGenetics, part of Exact Sciences
Classification: Uncertain significance for TBX3-related condition. Last evaluated: 2024-09-19. Review status: no assertion criteria provided. Collection method: clinical testing. Allele origin: germline.
Comment: The TBX3 c.1169G>A variant is predicted to result in the amino acid substitution p.Cys390Tyr. To our knowledge, this variant has not been reported in the literature or in a large population database, indicating this variant is rare. At this time, the clinical significance of this variant is uncertain due to the absence of conclusive functional and genetic evidence.

NM_005996.4(TBX3):c.1109G>A (p.Cys370Tyr)

Gene: TBX3 (T-box transcription factor 3; minus strand). Cytogenetic location: 12q24.21.
Variant type: single nucleotide variant.
Coding change: c.1109G>A on transcript NM_005996.4 (MANE Select); coding-DNA position 1109, G replaced by A.
Protein change: p.Cys370Tyr; replaces cysteine 370 with tyrosine.
Molecular consequence: missense variant.
Genome position (GRCh38, 1-based): chr12:114,674,766, C>T on the plus strand (G>A on the coding strand, the complement: TBX3 is on the minus strand). VCF-style: chr12-114674766-C-T. GRCh37 (hg19) VCF-style: chr12-115112571-C-T.
Other names: c.1169G>A, p.Cys390Tyr (NM_016569.4); short protein forms C370Y, C390Y.
Identifiers: ClinVar variation 3349043 (VCV003349043.1).
Genomic context (GRCh38, chr12:114,674,766, plus strand): 5'-GGGCTGCCCTTGTCACGGCAGGGCTCCTCCGACGTGGTGGTGGAGATCTTGGCCGCGTCG[C>T]AGGCCTCGGGGCCATGCTCCTCTTTGCTCTCGGCCTCGGCGTCGCTCTCACCCTCGCTGG-3'
Protein context (NP_005987.3, residues 360-380): ESKEEHGPEA[Cys370Tyr]DAAKISTTTS